The following is an entry in ClinVar:

ClinVar aggregate classification (germline): Uncertain significance (1 of 4 stars; one submission).

Allele frequency attached by ClinVar (database versions not stated): gnomAD exomes below 0.00001; TOPMed below 0.00001.
gnomAD v4.1: 2 of 1,614,224 alleles (0.00012%); highest among the groups gnomAD compares: Non-Finnish European, 0.00017%; no homozygotes.

Submission:

Labcorp Genetics (formerly Invitae), Labcorp
Classification: Uncertain significance. Last evaluated: 2022-07-06. Review status: criteria provided, single submitter. Criteria: Invitae Variant Classification Sherloc (09022015). Collection method: clinical testing. Allele origin: germline.
Comment: This variant has not been reported in the literature in individuals affected with MERTK-related conditions. This variant is not present in population databases (gnomAD no frequency). This sequence change replaces leucine, which is neutral and non-polar, with tryptophan, which is neutral and slightly polar, at codon 877 of the MERTK protein (p.Leu877Trp). In summary, the available evidence is currently insufficient to determine the role of this variant in disease. Therefore, it has been classified as a Variant of Uncertain Significance. Algorithms developed to predict the effect of missense changes on protein structure and function output the following: SIFT: "Deleterious"; PolyPhen-2: "Benign"; Align-GVGD: "Class C15". The tryptophan amino acid residue is found in multiple mammalian species, which suggests that this missense change does not adversely affect protein function.

NM_006343.3(MERTK):c.2630T>G (p.Leu877Trp)

Gene: MERTK (MER proto-oncogene, tyrosine kinase; plus strand). Cytogenetic location: 2q13.
Variant type: single nucleotide variant.
Coding change: c.2630T>G on transcript NM_006343.3 (MANE Select); coding-DNA position 2630, T replaced by G.
Protein change: p.Leu877Trp; replaces leucine 877 with tryptophan.
Molecular consequence: missense variant.
Genome position (GRCh38, 1-based): chr2:112,028,494, T>G. VCF-style: chr2-112028494-T-G. GRCh37 (hg19) VCF-style: chr2-112786071-T-G.
Other names: short protein forms L877W.
Identifiers: ClinVar variation 2014706 (VCV002014706.4), dbSNP rs1677516093, ClinGen allele CA348242846.
Genomic context (GRCh38, chr2:112,028,494, plus strand): 5'-TCTTAGAAAGTTTGCCTGACGTTCGGAACCAAGCAGACGTTATTTACGTCAATACACAGT[T>G]GCTGGAGAGCTCTGAGGGCCTGGCCCAGGGCTCCACCCTTGCTCCACTGGACTTGAACAT-3'
Protein context (NP_006334.2, residues 867-887): QADVIYVNTQ[Leu877Trp]LESSEGLAQG